The following is an entry in ClinVar:

NM_001014447.3(CPZ):c.-10C>T

Gene: CPZ (carboxypeptidase Z; plus strand). Cytogenetic location: 4p16.1.
Variant type: single nucleotide variant.
Coding change: c.-10C>T on transcript NM_001014447.3 (MANE Select); 10 bases upstream of the start codon, C replaced by T.
Molecular consequence: 5 prime UTR variant.
Genome position (GRCh38, 1-based): chr4:8,592,824, C>T. VCF-style: chr4-8592824-C-T. GRCh37 (hg19) VCF-style: chr4-8594551-C-T.
Other names: c.-684C>T (NM_001014448.3); c.-10C>T (NM_003652.4).
Identifiers: ClinVar variation 3037364 (VCV003037364.2), dbSNP rs368876185, ClinGen allele CA2852929.

ClinVar aggregate classification (germline): Likely benign (0 of 4 stars; one submission).

Conditions:
CPZ-related disorder. Also called: CPZ-related condition.

Allele frequency attached by ClinVar (database versions not stated): 1000 Genomes Project 0.00040; 1000 Genomes Project 30x 0.00047; ESP Exome Variant Server 0.00052; ExAC 0.00066; TOPMed 0.00111; gnomAD 0.00122; gnomAD exomes 0.00190.
gnomAD v4.1: 2,664 of 1,457,286 alleles (0.18%); highest among the groups gnomAD compares: Non-Finnish European, 0.21%; 5 homozygotes.

Submission:

PreventionGenetics, part of Exact Sciences
Classification: Likely benign for CPZ-related condition. Last evaluated: 2020-01-02. Review status: no assertion criteria provided. Collection method: clinical testing. Allele origin: germline.
Comment: This variant is classified as likely benign based on ACMG/AMP sequence variant interpretation guidelines (Richards et al. 2015 PMID: 25741868, with internal and published modifications).